The following is an entry in ClinVar:

NM_001127208.3(TET2):c.434G>A (p.Ser145Asn)

Genes: TET2 (tet methylcytosine dioxygenase 2; plus strand), TET2-AS1 (TET2 antisense RNA 1; minus strand). Cytogenetic location: 4q24.
Variant type: single nucleotide variant.
Coding change: c.434G>A on transcript NM_001127208.3 (MANE Select); coding-DNA position 434, G replaced by A.
Protein change: p.Ser145Asn; replaces serine 145 with asparagine.
Molecular consequence: missense variant.
Genome position (GRCh38, 1-based): chr4:105,234,376, G>A. VCF-style: chr4-105234376-G-A. GRCh37 (hg19) VCF-style: chr4-106155533-G-A.
Other names: c.434G>A (NM_001127208.2); c.434G>A, p.Ser145Asn (NM_017628.4); short protein forms S145N.
Identifiers: ClinVar variation 135320 (VCV000135320.8), dbSNP rs114619974, ClinGen allele CA162365.

ClinVar aggregate classification (germline): Benign/Likely benign. Review status: criteria provided, multiple submitters, no conflicts (2 of 4 stars). 4 submissions from 4 submitters: Benign (1); Likely benign (2). 1 of the submissions does not count toward it. Last evaluated 2025-12-08.

Conditions:
TET2-related disorder. Also called: TET2-related condition.

Allele frequency attached by ClinVar (database versions not stated): gnomAD exomes 0.00017 and 0.00052; ExAC 0.00066; gnomAD 0.00212 and 0.00223; TOPMed 0.00225; ESP Exome Variant Server 0.00238; 1000 Genomes Project 0.00240; 1000 Genomes Project 30x 0.00281.
gnomAD v4.1: 588 of 1,614,062 alleles (0.036%); highest among the groups gnomAD compares: African/African-American, 0.73%; 3 homozygotes.

Submissions (4):

Labcorp Genetics (formerly Invitae), Labcorp
Classification: Benign. Last evaluated: 2025-12-08. Review status: criteria provided, single submitter. Criteria: Invitae Variant Classification Sherloc (09022015). Collection method: clinical testing. Allele origin: germline.

ARUP Laboratories, Molecular Genetics and Genomics, ARUP Laboratories
Classification: Likely benign. Last evaluated: 2025-05-21. Review status: criteria provided, single submitter. Criteria: ARUP Molecular Germline Variant Investigation Process 2024. Collection method: clinical testing. Allele origin: germline.

PreventionGenetics, part of Exact Sciences
Classification: Likely benign for TET2-related condition. Last evaluated: 2025-02-03. Review status: criteria provided, single submitter. Criteria: ACMG Guidelines, 2015. Collection method: clinical testing. Allele origin: germline.
Comment: This variant is classified as likely benign based on ACMG/AMP sequence variant interpretation guidelines (Richards et al. 2015 PMID: 25741868, with internal and published modifications).

ITMI
No classification provided. Condition: AllHighlyPenetrant. Last evaluated: 2013-09-19. Review status: no classification provided. Collection method: reference population. Allele origin: germline. Not counted in ClinVar's aggregate classification.
Comment: Please see associated publication for description of ethnicities

Literature cited by the submitters: PubMed 24728327 (cited by ITMI).